The following is an entry in ClinVar:

ClinVar aggregate classification (germline): Uncertain significance (1 of 4 stars; one submission).

Submission:

GeneDx
Classification: Uncertain significance. Last evaluated: 2025-07-23. Review status: criteria provided, single submitter. Criteria: GeneDx Variant Classification Process June 2021. Collection method: clinical testing. Allele origin: germline. Affected: yes.
Comment: Not observed at significant frequency in large population cohorts (gnomAD); In silico analysis supports that this missense variant has a deleterious effect on protein structure/function; Has not been previously published as pathogenic or benign to our knowledge

NM_014975.3(MAST1):c.2150G>A (p.Ser717Asn)

Genes: MAST1 (microtubule associated serine/threonine kinase 1; plus strand), LOC112543452 (Sharpr-MPRA regulatory region 6054; plus strand). Cytogenetic location: 19p13.13.
Variant type: single nucleotide variant.
Coding change: c.2150G>A on transcript NM_014975.3 (MANE Select); coding-DNA position 2150, G replaced by A.
Protein change: p.Ser717Asn; replaces serine 717 with asparagine.
Molecular consequence: missense variant.
Genome position (GRCh38, 1-based): chr19:12,867,484, G>A. VCF-style: chr19-12867484-G-A. GRCh37 (hg19) VCF-style: chr19-12978298-G-A.
Other names: short protein forms S717N.
Identifiers: ClinVar variation 4686819 (VCV004686819.1).
Genomic context (GRCh38, chr19:12,867,484, plus strand): 5'-GGAGTGAAAGTGGAACCCGGGCTGGACTTGCCTCCCACCACCACCTACAGGTGTATAGCA[G>A]CATGGAGCAGCTGTCGCAGCACGAGCCCAAGACCCCAGTAGCAGCTGCAGGGAGCAGCAA-3'
Protein context (NP_055790.1, residues 707-727): CSPRFSKVYS[Ser717Asn]MEQLSQHEPK